The following is an entry in ClinVar:

NM_014806.5(RUSC2):c.1627T>A (p.Ser543Thr)

Gene: RUSC2 (RUN and SH3 domain containing 2; plus strand). Cytogenetic location: 9p13.3.
Variant type: single nucleotide variant.
Coding change: c.1627T>A on transcript NM_014806.5 (MANE Select); coding-DNA position 1627, T replaced by A.
Protein change: p.Ser543Thr; replaces serine 543 with threonine.
Molecular consequence: missense variant. On other transcripts: non-coding transcript variant (1), intron variant (1).
Genome position (GRCh38, 1-based): chr9:35,548,148, T>A. VCF-style: chr9-35548148-T-A. GRCh37 (hg19) VCF-style: chr9-35548145-T-A.
Other names: c.1627T>A, p.Ser543Thr (NM_001135999.2); c.-620-6912T>A (NM_001330740.2); short protein forms S543T.
Identifiers: ClinVar variation 1349933 (VCV001349933.8), dbSNP rs944915652, ClinGen allele CA192747680.
Genomic context (GRCh38, chr9:35,548,148, plus strand): 5'-CGCTTGAGTGAGGGCCCTGCAGCCATGGCCGGGCCTGGCTCCCCACCCAGGAGGGTCACC[T>A]CCTTTGCCGAGCTGGCCAAGGGCCGGAAGAAAACTGGAGGCTCTGGCTCGCCCCCACTTC-3'
Protein context (NP_055621.2, residues 533-553): GPGSPPRRVT[Ser543Thr]FAELAKGRKK

ClinVar aggregate classification (germline): Uncertain significance (1 of 4 stars; one submission).

Allele frequency attached by ClinVar (database versions not stated): TOPMed 0.00003; gnomAD exomes 0.00001.
gnomAD v4.1: 8 of 1,613,242 alleles (0.0005%); highest among the groups gnomAD compares: Non-Finnish European, 0.00068%; no homozygotes.

Submission:

Labcorp Genetics (formerly Invitae), Labcorp
Classification: Uncertain significance. Last evaluated: 2025-02-24. Review status: criteria provided, single submitter. Criteria: Invitae Variant Classification Sherloc (09022015). Collection method: clinical testing. Allele origin: germline.
Comment: This sequence change replaces serine, which is neutral and polar, with threonine, which is neutral and polar, at codon 543 of the RUSC2 protein (p.Ser543Thr). This variant is not present in population databases (gnomAD no frequency). This variant has not been reported in the literature in individuals affected with RUSC2-related conditions. ClinVar contains an entry for this variant (Variation ID: 1349933). An algorithm developed to predict the effect of missense changes on protein structure and function (PolyPhen-2) suggests that this variant is likely to be disruptive. In summary, the available evidence is currently insufficient to determine the role of this variant in disease. Therefore, it has been classified as a Variant of Uncertain Significance.